The following is an entry in ClinVar:

NM_001367624.2(ZNF469):c.8695G>A (p.Gly2899Ser)

Gene: ZNF469 (zinc finger protein 469; plus strand). Cytogenetic location: 16q24.2.
Variant type: single nucleotide variant.
Coding change: c.8695G>A on transcript NM_001367624.2 (MANE Select); coding-DNA position 8695, G replaced by A.
Protein change: p.Gly2899Ser; replaces glycine 2899 with serine.
Molecular consequence: missense variant.
Genome position (GRCh38, 1-based): chr16:88,436,165, G>A. VCF-style: chr16-88436165-G-A. GRCh37 (hg19) VCF-style: chr16-88502573-G-A.
Other names: NM_001127464.1:c.8611G>A; NM_001127464.2:c.8611G>A; p.Gly2899Ser; short protein forms G2899S.
Identifiers: ClinVar variation 1301183 (VCV001301183.35), dbSNP rs202129382, ClinGen allele CA8225358.

ClinVar aggregate classification (germline): Conflicting classifications of pathogenicity. Review status: criteria provided, conflicting classifications (1 of 4 stars). 7 submissions from 7 submitters: Uncertain significance (4); Likely benign (3). Last evaluated 2026-03-02.

Conditions:
Ehlers-Danlos syndrome (EDS). Identifiers: Orphanet 98249, MedGen C0013720, MONDO:0020066.
Cardiovascular phenotype. Identifiers: MedGen CN230736.

Allele frequency attached by ClinVar (database versions not stated): gnomAD exomes 0.00011; ExAC 0.00013; 1000 Genomes Project 0.00020; 1000 Genomes Project 30x 0.00031; gnomAD 0.00045; TOPMed 0.00048.
gnomAD v4.1: 192 of 1,547,694 alleles (0.012%); highest among the groups gnomAD compares: African/African-American, 0.15%; no homozygotes.

Submissions (7):

Women's Health and Genetics/Laboratory Corporation of America, LabCorp
Classification: Uncertain significance. Last evaluated: 2026-03-02. Review status: criteria provided, single submitter. Criteria: LabCorp Variant Classification Summary - May 2015. Collection method: clinical testing. Allele origin: germline.
Comment: Variant summary: ZNF469 c.8695G>A (p.Gly2899Ser) results in a non-conservative amino acid change in the encoded protein sequence. Algorithms developed to predict the effect of missense changes on protein structure and function are either unavailable or do not agree on the potential impact of this missense change. The variant allele was found at a frequency of 0.00011 in 148986 control chromosomes. This frequency is not significantly higher than estimated for disease-causing variants in ZNF469, allowing no conclusion about variant significance. To our knowledge, no occurrence of c.8695G>A in individuals affected with ZNF469-related conditions and no experimental evidence demonstrating its impact on protein function have been reported. ClinVar contains an entry for this variant (Variation ID: 1301183). Based on the evidence outlined above, the variant was classified as uncertain significance.

Mayo Clinic Laboratories, Mayo Clinic
Classification: Likely benign. Last evaluated: 2025-02-11. Review status: criteria provided, single submitter. Criteria: ACMG Guidelines, 2015. Collection method: clinical testing. Allele origin: germline. Observed: 1 variant allele.
Comment: BS1, BP4_moderate

Labcorp Genetics (formerly Invitae), Labcorp
Classification: Uncertain significance. Last evaluated: 2025-01-08. Review status: criteria provided, single submitter. Criteria: Invitae Variant Classification Sherloc (09022015). Collection method: clinical testing. Allele origin: germline.
Comment: This sequence change replaces glycine, which is neutral and non-polar, with serine, which is neutral and polar, at codon 2871 of the ZNF469 protein (p.Gly2871Ser). This variant is present in population databases (rs202129382, gnomAD 0.1%). This variant has not been reported in the literature in individuals affected with ZNF469-related conditions. ClinVar contains an entry for this variant (Variation ID: 1301183). An algorithm developed to predict the effect of missense changes on protein structure and function outputs the following: PolyPhen-2: "Benign". The serine amino acid residue is found in multiple mammalian species, which suggests that this missense change does not adversely affect protein function. In summary, the available evidence is currently insufficient to determine the role of this variant in disease. Therefore, it has been classified as a Variant of Uncertain Significance.

CeGaT Center for Human Genetics Tuebingen
Classification: Likely benign. Last evaluated: 2023-09-01. Review status: criteria provided, single submitter. Criteria: CeGaT Center For Human Genetics Tuebingen Variant Classification Criteria Version 2. Collection method: clinical testing. Allele origin: germline. Affected: yes. Observed: 2 variant alleles.
Comment: ZNF469: BP4

GeneDx
Classification: Uncertain significance. Last evaluated: 2023-03-02. Review status: criteria provided, single submitter. Criteria: GeneDx Variant Classification Process June 2021. Collection method: clinical testing. Allele origin: germline. Affected: yes.
Comment: In silico analysis supports that this missense variant does not alter protein structure/function; This variant is associated with the following publications: (PMID: Wolf2022[Case report])

Ambry Genetics
Classification: Likely benign for Cardiovascular phenotype. Last evaluated: 2022-11-02. Review status: criteria provided, single submitter. Criteria: Ambry Variant Classification Scheme 2023. Collection method: clinical testing. Allele origin: germline.

Genome Diagnostics Laboratory, The Hospital for Sick Children
Classification: Uncertain significance for Ehlers-Danlos syndrome. Last evaluated: 2018-11-01. Review status: criteria provided, single submitter. Criteria: ACMG Guidelines, 2015. Collection method: clinical testing. Allele origin: germline.